The following is an entry in ClinVar:

ClinVar aggregate classification (germline): Likely pathogenic (1 of 4 stars; one submission).

Conditions:
Anemia, nonspherocytic hemolytic, due to G6PD deficiency (CNSHA1). Also called: Hemolytic anemia due to G6PD deficiency; Class I glucose-6-phosphate dehydrogenase deficiency; Favism, susceptibility to; ANEMIA, CONGENITAL, NONSPHEROCYTIC HEMOLYTIC, 1. Identifiers: Orphanet 466026, MedGen C2720289, MONDO:0010480, OMIM 300908.

Submission:

Dunham Lab, University of Washington
Classification: Likely pathogenic for Anemia, nonspherocytic hemolytic, due to G6PD deficiency. Last evaluated: 2022-08-12. Review status: criteria provided, single submitter. Criteria: Bayesian ACMG Guidelines, 2018. Collection method: curation. Allele origin: unknown. Affected: yes.
Comment: Variant found in hemizygotes with G6PD deficiency (PP4). Decreased activity in red blood cells (25%) and when expressed in human cell line (PS3). Not found in gnomAD (PM2). Post_P 0.949 (odds of pathogenicity 168.4, Prior_P 0.1).

Literature cited by the submitters: PubMed 31489982; PubMed 30045279.

NM_001360016.2(G6PD):c.697G>C (p.Val233Leu)

Gene: G6PD (glucose-6-phosphate dehydrogenase; minus strand). Cytogenetic location: Xq28.
Variant type: single nucleotide variant.
Coding change: c.697G>C on transcript NM_001360016.2 (MANE Select); coding-DNA position 697, G replaced by C.
Protein change: p.Val233Leu; replaces valine 233 with leucine.
Molecular consequence: missense variant.
Genome position (GRCh38, 1-based): chrX:154,534,108, C>G on the plus strand (G>C on the coding strand, the complement: G6PD is on the minus strand). VCF-style: chrX-154534108-C-G. GRCh37 (hg19) VCF-style: chrX-153762323-C-G.
Other names: c.787G>C, p.Val263Leu (NM_000402.4); c.697G>C, p.Val233Leu (NM_001042351.3); short protein forms V233L, V263L.
Identifiers: ClinVar variation 1722751 (VCV001722751.2), dbSNP rs781948754, ClinGen allele CA415236619.
Genomic context (GRCh38, chrX:154,534,108, plus strand): 5'-ATTCATCGAAATAGCCCCCGCGACCCTCAGTGCCAAAGGGCTCCTTGAAGGTGAGGATAA[C>G]GCAGGCGATGTTGTCCCGGTTCCAGATGGGGCCGAAGATCCTGTTGGCAAATCTGCAGGG-3'
Protein context (NP_001346945.1, residues 223-243): PIWNRDNIAC[Val233Leu]ILTFKEPFGT